The following is an entry in ClinVar:

ClinVar aggregate classification (germline): Benign. Review status: criteria provided, multiple submitters, no conflicts (2 of 4 stars). 3 submissions from 3 submitters: Benign (3). Last evaluated 2018-07-09.

Conditions:
Factor 5 and Factor VIII, combined deficiency of, 2. Identifiers: Orphanet 35909, MedGen C3150889, MONDO:0013331, OMIM 613625.

Allele frequency attached by ClinVar (database versions not stated): 1000 Genomes Project 30x 0.03342; TOPMed 0.04963; gnomAD exomes 0.05844; 1000 Genomes Project 0.03115; gnomAD 0.05100 and 0.05300.

Submissions (3):

GeneDx
Classification: Benign. Last evaluated: 2018-07-09. Review status: criteria provided, single submitter. Criteria: GeneDx Variant Classification Process June 2021. Collection method: clinical testing. Allele origin: germline. Affected: yes.

Illumina Laboratory Services, Illumina
Classification: Benign for Factor 5 and Factor VIII, combined deficiency of, 2. Last evaluated: 2018-01-13. Review status: criteria provided, single submitter. Criteria: ICSL Variant Classification Criteria 13 December 2019. Collection method: clinical testing. Allele origin: germline.
Comment: This variant was observed in the ICSL laboratory as part of a predisposition screen in an ostensibly healthy population. It had not been previously curated by ICSL or reported in the Human Gene Mutation Database (HGMD: prior to June 1st, 2018), and was therefore a candidate for classification through an automated scoring system. Utilizing variant allele frequency, disease prevalence and penetrance estimates, and inheritance mode, an automated score was calculated to assess if this variant is too frequent to cause the disease. Based on the score and internal cut-off values, a variant classified as benign is not then subjected to further curation. The score for this variant resulted in a classification of benign for this disease.

Breakthrough Genomics
Classification: Benign. Review status: criteria provided, single submitter. Criteria: ACMG Guidelines, 2015. Collection method: not provided. Allele origin: germline. Inheritance: Unknown mechanism. Affected: yes.

NM_139279.6(MCFD2):c.*133A>T

Genes: MCFD2 (multiple coagulation factor deficiency 2, ER cargo receptor complex subunit; minus strand), MCFD2-AS1 (MCFD2 antisense RNA 1; plus strand). Cytogenetic location: 2p21.
Variant type: single nucleotide variant.
Coding change: c.*133A>T on transcript NM_139279.6 (MANE Select); 133 bases downstream of the stop codon, A replaced by T.
Molecular consequence: 3 prime UTR variant.
Genome position (GRCh38, 1-based): chr2:46,905,330, T>A on the plus strand (A>T on the coding strand, the complement: MCFD2 is on the minus strand). VCF-style: chr2-46905330-T-A. GRCh37 (hg19) VCF-style: chr2-47132469-T-A.
Other names: c.*133A>T (NM_001171506.2, NM_001171507.2, NM_001171508.2 and 3 more transcripts).
Identifiers: ClinVar variation 336376 (VCV000336376.9), dbSNP rs75416242, ClinGen allele CA10615404.